The following is an entry in ClinVar:

NM_001365276.2(TNXB):c.6269C>T (p.Pro2090Leu)

Gene: TNXB (tenascin XB; minus strand). Cytogenetic location: 6p21.33.
Variant type: single nucleotide variant.
Coding change: c.6269C>T on transcript NM_001365276.2 (MANE Select); coding-DNA position 6269, C replaced by T.
Protein change: p.Pro2090Leu; replaces proline 2090 with leucine.
Molecular consequence: missense variant.
Genome position (GRCh38, 1-based): chr6:32,067,936, G>A on the plus strand (C>T on the coding strand, the complement: TNXB is on the minus strand). VCF-style: chr6-32067936-G-A. GRCh37 (hg19) VCF-style: chr6-32035713-G-A.
Other names: c.6269C>T, p.Pro2090Leu (NM_019105.8); short protein forms P2090L.
Identifiers: ClinVar variation 1697980 (VCV001697980.7), dbSNP rs201997500, ClinGen allele CA3734484.

ClinVar aggregate classification (germline): Uncertain significance. Review status: criteria provided, multiple submitters, no conflicts (2 of 4 stars). 4 submissions from 4 submitters: Uncertain significance (4). Last evaluated 2025-12-22.

Conditions:
Cardiovascular phenotype. Identifiers: MedGen CN230736.
Vesicoureteral reflux 8 (VUR8). Identifiers: Orphanet 289365, MedGen C4014831, MONDO:0014422, OMIM 615963.

Allele frequency attached by ClinVar (database versions not stated): gnomAD 0.00005 and 0.00004; ESP Exome Variant Server 0.00020; gnomAD exomes 0.00002; ExAC 0.00003; TOPMed 0.00008.
gnomAD v4.1: 36 of 1,612,314 alleles (0.0022%); highest among the groups gnomAD compares: African/African-American, 0.013%; no homozygotes.

Submissions (4):

Women's Health and Genetics/Laboratory Corporation of America, LabCorp
Classification: Uncertain significance. Last evaluated: 2025-12-22. Review status: criteria provided, single submitter. Criteria: LabCorp Variant Classification Summary - May 2015. Collection method: clinical testing. Allele origin: germline.
Comment: Variant summary: TNXB c.6269C>T (p.Pro2090Leu) results in a non-conservative amino acid change in the encoded protein sequence. Algorithms developed to predict the effect of missense changes on protein structure and function are either unavailable or do not agree on the potential impact of this missense change. The variant allele was found at a frequency of 2e-05 in 245018 control chromosomes. The available data on variant occurrences in the general population are insufficient to allow any conclusion about variant significance. To our knowledge, no occurrence of c.6269C>T in individuals affected with TNXB-related conditions and no experimental evidence demonstrating its impact on protein function have been reported. ClinVar contains an entry for this variant (Variation ID: 1697980). Based on the evidence outlined above, the variant was classified as uncertain significance.

GeneDx
Classification: Uncertain significance. Last evaluated: 2025-06-26. Review status: criteria provided, single submitter. Criteria: GeneDx Variant Classification Process June 2021. Collection method: clinical testing. Allele origin: germline.
Comment: Has not been previously published as pathogenic or benign to our knowledge; Not observed at a significant frequency in large population cohorts (gnomAD); In silico analysis supports that this missense variant has a deleterious effect on protein structure/function

Ambry Genetics
Classification: Uncertain significance for Cardiovascular phenotype. Last evaluated: 2024-04-23. Review status: criteria provided, single submitter. Criteria: Ambry Variant Classification Scheme 2023. Collection method: clinical testing. Allele origin: germline.

Revvity Omics, Revvity
Classification: Uncertain significance for Vesicoureteral reflux 8. Last evaluated: 2021-05-21. Review status: criteria provided, single submitter. Criteria: ACMG Guidelines, 2015. Collection method: clinical testing. Allele origin: germline.